The following is an entry in ClinVar:

ClinVar aggregate classification (germline): Uncertain significance. Review status: criteria provided, multiple submitters, no conflicts (2 of 4 stars). 3 submissions from 3 submitters: Uncertain significance (2). 1 of the submissions does not count toward it. Last evaluated 2026-04-29.

Conditions:
VPS13B-related disorder. Also called: VPS13B-related condition.
Cohen syndrome (COH1). Also called: Cutis verticis gyrata, retinitis pigmentosa, and sensorineural deafness; PEPPER SYNDROME. Identifiers: Orphanet 193, MedGen C0265223, MONDO:0008999, OMIM 216550.

Allele frequency attached by ClinVar (database versions not stated): TOPMed 0.00001; ExAC 0.00002.
gnomAD v4.1: 9 of 1,613,908 alleles (0.00056%); highest among the groups gnomAD compares: Admixed American, 0.0033%; no homozygotes.

Submissions (3):

PreventionGenetics, part of Exact Sciences
Classification: Uncertain significance for VPS13B-related condition. Last evaluated: 2026-04-29. Review status: criteria provided, single submitter. Criteria: ACMG Guidelines, 2015. Collection method: clinical testing. Allele origin: germline.
Comment: The VPS13B c.9068A>G variant is predicted to result in the amino acid substitution p.His3023Arg. To our knowledge, this variant has not been reported in the literature. This variant is reported in 0.0033% of alleles in individuals of South Asian descent in gnomAD. At this time, the clinical significance of this variant is uncertain due to the absence of conclusive functional and genetic evidence.

Labcorp Genetics (formerly Invitae), Labcorp
Classification: Uncertain significance for Cohen syndrome. Last evaluated: 2021-08-26. Review status: criteria provided, single submitter. Criteria: Invitae Variant Classification Sherloc (09022015). Collection method: clinical testing. Allele origin: germline.

Natera, Inc.
Classification: Uncertain significance for Cohen syndrome. Last evaluated: 2020-08-10. Review status: no assertion criteria provided. Collection method: clinical testing. Allele origin: germline. Not counted in ClinVar's aggregate classification.

NM_152564.5(VPS13B):c.9068A>G (p.His3023Arg)

Gene: VPS13B (vacuolar protein sorting 13 homolog B; plus strand). Cytogenetic location: 8q22.2.
Variant type: single nucleotide variant.
Coding change: c.9068A>G on transcript NM_152564.5 (MANE Select); coding-DNA position 9068, A replaced by G.
Protein change: p.His3023Arg; replaces histidine 3023 with arginine.
Molecular consequence: missense variant.
Genome position (GRCh38, 1-based): chr8:99,821,367, A>G. VCF-style: chr8-99821367-A-G. GRCh37 (hg19) VCF-style: chr8-100833595-A-G.
Other names: c.9068A>G (NM_152564.4); c.9143A>G, p.His3048Arg (NM_017890.5); short protein forms H3023R, H3048R.
Identifiers: ClinVar variation 1018175 (VCV001018175.8), dbSNP rs755304703, ClinGen allele CA4824618.